The following is an entry in ClinVar:

ClinVar aggregate classification (germline): Uncertain significance. Review status: criteria provided, multiple submitters, no conflicts (2 of 4 stars). 2 submissions from 2 submitters: Uncertain significance (2). Last evaluated 2025-01-22.

Conditions:
Hereditary cancer-predisposing syndrome. Also called: Tumor predisposition; Hereditary neoplastic syndrome; Neoplastic Syndromes, Hereditary; Hereditary Cancer Syndrome. Identifiers: Orphanet 140162, MedGen C0027672, MeSH D009386, MONDO:0015356.
EGFR-related lung cancer (EGFR). Identifiers: MedGen CN130014.

gnomAD v4.1: 1 of 1,613,558 alleles (0.000062%); highest among the groups gnomAD compares: African/African-American, 0.0013%; no homozygotes.

Submissions (2):

Labcorp Genetics (formerly Invitae), Labcorp
Classification: Uncertain significance for EGFR-related lung cancer. Last evaluated: 2025-01-22. Review status: criteria provided, single submitter. Criteria: Invitae Variant Classification Sherloc (09022015). Collection method: clinical testing. Allele origin: germline.
Comment: This sequence change replaces glycine, which is neutral and non-polar, with arginine, which is basic and polar, at codon 1075 of the EGFR protein (p.Gly1075Arg). This variant is not present in population databases (gnomAD no frequency). This variant has not been reported in the literature in individuals affected with EGFR-related conditions. ClinVar contains an entry for this variant (Variation ID: 861843). An algorithm developed to predict the effect of missense changes on protein structure and function (PolyPhen-2) suggests that this variant is likely to be tolerated. In summary, the available evidence is currently insufficient to determine the role of this variant in disease. Therefore, it has been classified as a Variant of Uncertain Significance.

Ambry Genetics
Classification: Uncertain significance for Hereditary cancer-predisposing syndrome. Last evaluated: 2024-01-23. Review status: criteria provided, single submitter. Criteria: Ambry Variant Classification Scheme 2023. Collection method: clinical testing. Allele origin: germline.

NM_005228.5(EGFR):c.3223G>C (p.Gly1075Arg)

Gene: EGFR (epidermal growth factor receptor; plus strand). Cytogenetic location: 7p11.2.
Variant type: single nucleotide variant.
Coding change: c.3223G>C on transcript NM_005228.5 (MANE Select); coding-DNA position 3223, G replaced by C.
Protein change: p.Gly1075Arg; replaces glycine 1075 with arginine.
Molecular consequence: missense variant.
Genome position (GRCh38, 1-based): chr7:55,202,577, G>C. VCF-style: chr7-55202577-G-C. GRCh37 (hg19) VCF-style: chr7-55270270-G-C.
Other names: c.3088G>C, p.Gly1030Arg (NM_001346897.2, NM_001346899.2); c.3223G>C, p.Gly1075Arg (NM_001346898.2); c.3064G>C, p.Gly1022Arg (NM_001346900.2); c.2422G>C, p.Gly808Arg (NM_001346941.2); short protein forms G808R, G1022R, G1030R, G1075R.
Identifiers: ClinVar variation 861843 (VCV000861843.11), dbSNP rs776375114, ClinGen allele CA367583383.